The following is an entry in ClinVar:

NM_001002294.3(FMO3):c.1A>G (p.Met1Val)

Gene: FMO3 (flavin containing dimethylaniline monoxygenase 3; plus strand). Cytogenetic location: 1q24.3.
Variant type: single nucleotide variant.
Coding change: c.1A>G on transcript NM_001002294.3 (MANE Select); coding-DNA position 1, A replaced by G.
Protein change: p.Met1Val; changes the start codon (methionine 1).
Molecular consequence: missense variant, initiator codon variant. On other transcripts: 5 prime UTR variant (1).
Genome position (GRCh38, 1-based): chr1:171,092,659, A>G. VCF-style: chr1-171092659-A-G. GRCh37 (hg19) VCF-style: chr1-171061800-A-G.
Other names: c.-187A>G (NM_001319173.2); c.1A>G, p.Met1Val (NM_001319174.2, NM_006894.6); short protein forms M1V.
Identifiers: ClinVar variation 2898902 (VCV002898902.4), dbSNP rs1212744203, ClinGen allele CA343176635.

ClinVar aggregate classification (germline): Pathogenic (1 of 4 stars; one submission).

Allele frequency attached by ClinVar (database versions not stated): gnomAD exomes below 0.00001; gnomAD 0.00001; TOPMed 0.00001.

Submission:

Labcorp Genetics (formerly Invitae), Labcorp
Classification: Pathogenic. Last evaluated: 2024-03-01. Review status: criteria provided, single submitter. Criteria: Invitae Variant Classification Sherloc (09022015). Collection method: clinical testing. Allele origin: germline.
Comment: This sequence change affects the initiator methionine of the FMO3 mRNA. The next in-frame methionine is located at codon 66. This variant is present in population databases (no rsID available, gnomAD 0.003%). Disruption of the initiator codon has been observed in individual(s) with features of trimethylaminuria (PMID: 35853340). This variant disrupts a region of the FMO3 protein in which other variant(s) (p.Val58Ile) have been determined to be pathogenic (PMID: 15618671, 22819296, 28392825, 33831674). This suggests that this is a clinically significant region of the protein, and that variants that disrupt it are likely to be disease-causing. For these reasons, this variant has been classified as Pathogenic.

Literature cited by the submitters: PubMed 35853340; PubMed 15618671; PubMed 22819296; PubMed 28392825; PubMed 33831674.